The following is an entry in ClinVar:

ClinVar aggregate classification (germline): Benign. Review status: criteria provided, multiple submitters, no conflicts (2 of 4 stars). 2 submissions from 2 submitters: Benign (2). Last evaluated 2024-01-24.

Allele frequency attached by ClinVar (database versions not stated): 1000 Genomes Project 0.19629; gnomAD 0.16394; 1000 Genomes Project 30x 0.19457; TOPMed 0.17207; ExAC 0.18442; ESP Exome Variant Server 0.14447.
gnomAD v4.1: 251,476 of 1,614,098 alleles (16%); highest among the groups gnomAD compares: Admixed American, 32%; 21,742 homozygotes.

Submissions (2):

Unidad de Genómica Garrahan, Hospital de Pediatría Garrahan
Classification: Benign. Last evaluated: 2024-01-24. Review status: criteria provided, single submitter. Criteria: ACMG Guidelines, 2015. Collection method: clinical testing. Allele origin: germline. Affected: no. Observed: 41 variant alleles.
Comment: This variant is classified as Benign based on local population frequency. This variant was detected in 43% of patients studied by a panel of primary immunodeficiencies. Number of patients: 41. Only high quality variants are reported.

Mayo Clinic Laboratories, Mayo Clinic
Classification: Benign. Last evaluated: 2022-09-06. Review status: criteria provided, single submitter. Criteria: ACMG Guidelines, 2015. Collection method: clinical testing. Allele origin: germline. Observed: 2 variant alleles.

NM_018518.5(MCM10):c.1285C>T (p.Leu429=)

Gene: MCM10 (minichromosome maintenance 10 replication initiation factor; plus strand). Cytogenetic location: 10p13.
Variant type: single nucleotide variant.
Coding change: c.1285C>T on transcript NM_018518.5 (MANE Select); coding-DNA position 1285, C replaced by T.
Protein change: p.Leu429=; no amino-acid change (leucine 429 retained).
Molecular consequence: synonymous variant.
Genome position (GRCh38, 1-based): chr10:13,188,950, C>T. VCF-style: chr10-13188950-C-T. GRCh37 (hg19) VCF-style: chr10-13230950-C-T.
Other names: p.Leu430=; c.1288C>T, p.Leu430= (NM_182751.3).
Identifiers: ClinVar variation 2688158 (VCV002688158.3), dbSNP rs2296222, ClinGen allele CA5411478.